The following is an entry in ClinVar:

ClinVar aggregate classification (germline): Uncertain significance. Review status: criteria provided, multiple submitters, no conflicts (2 of 4 stars). 3 submissions from 3 submitters: Uncertain significance (3). Last evaluated 2026-02-12.

Conditions:
Charcot-Marie-Tooth disease axonal type 2U. Also called: CHARCOT-MARIE-TOOTH NEUROPATHY, TYPE 2U; CHARCOT-MARIE-TOOTH DISEASE, AXONAL, AUTOSOMAL DOMINANT, TYPE 2U. Identifiers: Orphanet 397735, MedGen C4084821, MONDO:0014566, OMIM 616280.
Severe early-onset pulmonary alveolar proteinosis due to MARS deficiency. Also called: Interstitial lung and liver disease; PULMONARY ALVEOLAR PROTEINOSIS, REUNION ISLAND. Identifiers: Orphanet 440427, MedGen C4225400, MONDO:0014206, OMIM 615486.
MARS1-related disorder. Also called: MARS1-related condition.

Allele frequency attached by ClinVar (database versions not stated): gnomAD exomes 0.00001 and 0.00004; ExAC 0.00002; gnomAD 0.00007 and 0.00008; TOPMed 0.00016.
gnomAD v4.1: 34 of 1,614,104 alleles (0.0021%); highest among the groups gnomAD compares: Admixed American, 0.032%; no homozygotes.

Submissions (3):

PreventionGenetics, part of Exact Sciences
Classification: Uncertain significance for MARS1-related condition. Last evaluated: 2026-02-12. Review status: criteria provided, single submitter. Criteria: ACMG Guidelines, 2015. Collection method: clinical testing. Allele origin: germline.
Comment: The MARS1 c.1000G>A variant is predicted to result in the amino acid substitution p.Asp334Asn. To our knowledge, this variant has not been reported in the literature. This variant is reported in 0.023% of alleles in individuals of Latino descent in gnomAD. At this time, the clinical significance of this variant is uncertain due to the absence of conclusive functional and genetic evidence.

Labcorp Genetics (formerly Invitae), Labcorp
Classification: Uncertain significance for Charcot-Marie-Tooth disease axonal type 2U; Severe early-onset pulmonary alveolar proteinosis due to MARS deficiency. Last evaluated: 2025-11-03. Review status: criteria provided, single submitter. Criteria: Invitae Variant Classification Sherloc (09022015). Collection method: clinical testing. Allele origin: germline.
Comment: This sequence change replaces aspartic acid, which is acidic and polar, with asparagine, which is neutral and polar, at codon 334 of the MARS protein (p.Asp334Asn). This variant is present in population databases (rs760487210, gnomAD 0.02%). This missense change has been observed in individual(s) with clinical features of Charcot-Marie-Tooth disease (internal data). ClinVar contains an entry for this variant (Variation ID: 1681714). An algorithm developed to predict the effect of missense changes on protein structure and function (PolyPhen-2) suggests that this variant is likely to be disruptive. In summary, the available evidence is currently insufficient to determine the role of this variant in disease. Therefore, it has been classified as a Variant of Uncertain Significance.

Ambry Genetics
Classification: Uncertain significance. Last evaluated: 2025-04-02. Review status: criteria provided, single submitter. Criteria: Ambry Variant Classification Scheme 2023. Collection method: clinical testing. Allele origin: germline.
Comment: Unlikely to be causative of MARS1-related Charcot-Marie-Tooth disease, type 2 (AD) Based on insufficient or conflicting evidence, the clinical significance of this alteration remains unclear.

NM_004990.4(MARS1):c.1000G>A (p.Asp334Asn)

Gene: MARS1 (methionyl-tRNA synthetase 1; plus strand). Cytogenetic location: 12q13.3.
Variant type: single nucleotide variant.
Coding change: c.1000G>A on transcript NM_004990.4 (MANE Select); coding-DNA position 1000, G replaced by A.
Protein change: p.Asp334Asn; replaces aspartic acid 334 with asparagine.
Molecular consequence: missense variant.
Genome position (GRCh38, 1-based): chr12:57,498,532, G>A. VCF-style: chr12-57498532-G-A. GRCh37 (hg19) VCF-style: chr12-57892315-G-A.
Other names: c.1000G>A (NM_004990.3); short protein forms D334N.
Identifiers: ClinVar variation 1681714 (VCV001681714.12), dbSNP rs760487210, ClinGen allele CA6650381.